The following is an entry in ClinVar:

ClinVar aggregate classification (germline): Likely benign. Review status: criteria provided, multiple submitters, no conflicts (2 of 4 stars). 3 submissions from 3 submitters: Likely benign (3). Last evaluated 2025-07-17.

Conditions:
PRX-related disorder. Also called: PRX-Related Disorders; PRX-related condition.
Charcot-Marie-Tooth disease type 4. Also called: Charcot-Marie-Tooth, Type 4; Charcot-Marie-Tooth disease, type IV. Identifiers: Orphanet 64749, MedGen C4082197, MONDO:0018995.

Allele frequency attached by ClinVar (database versions not stated): gnomAD exomes 0.00005 and 0.00009; ExAC 0.00014; ESP Exome Variant Server 0.00031; TOPMed 0.00032; gnomAD 0.00034 and 0.00036; 1000 Genomes Project 30x 0.00047; 1000 Genomes Project 0.00060.
gnomAD v4.1: 139 of 1,614,210 alleles (0.0086%); highest among the groups gnomAD compares: African/African-American, 0.15%; no homozygotes.

Submissions (3):

ARUP Laboratories, Molecular Genetics and Genomics, ARUP Laboratories
Classification: Likely benign. Last evaluated: 2025-07-17. Review status: criteria provided, single submitter. Criteria: ARUP Molecular Germline Variant Investigation Process 2024. Collection method: clinical testing. Allele origin: germline.

PreventionGenetics, part of Exact Sciences
Classification: Likely benign for PRX-related condition. Last evaluated: 2025-07-16. Review status: criteria provided, single submitter. Criteria: ACMG Guidelines, 2015. Collection method: clinical testing. Allele origin: germline.
Comment: This variant is classified as likely benign based on ACMG/AMP sequence variant interpretation guidelines (Richards et al. 2015 PMID: 25741868, with internal and published modifications).

Labcorp Genetics (formerly Invitae), Labcorp
Classification: Likely benign for Charcot-Marie-Tooth disease type 4. Last evaluated: 2025-04-01. Review status: criteria provided, single submitter. Criteria: Invitae Variant Classification Sherloc (09022015). Collection method: clinical testing. Allele origin: germline.

NM_181882.3(PRX):c.2817G>A (p.Ser939=)

Gene: PRX (periaxin; minus strand). Cytogenetic location: 19q13.2.
Variant type: single nucleotide variant.
Coding change: c.2817G>A on transcript NM_181882.3 (MANE Select); coding-DNA position 2817, G replaced by A.
Protein change: p.Ser939=; no amino-acid change (serine 939 retained).
Molecular consequence: synonymous variant. On other transcripts: 3 prime UTR variant (1).
Genome position (GRCh38, 1-based): chr19:40,395,535, C>T on the plus strand (G>A on the coding strand, the complement: PRX is on the minus strand). VCF-style: chr19-40395535-C-T. GRCh37 (hg19) VCF-style: chr19-40901442-C-T.
Other names: c.*3022G>A (NM_020956.2); c.2817G>A (NM_181882.2).
Identifiers: ClinVar variation 1117383 (VCV001117383.11), dbSNP rs112544351, ClinGen allele CA9443973.
Genomic context (GRCh38, chr19:40,395,535, plus strand): 5'-TACCTTCAGCTTGGTAGCTCGCCCAGCCCCCTCAGCCTCTGCCTTAGCCACCTTTGGCCC[C>T]GAGAGTCCAAACTTAGGTAAGGAGAACTTGGAAGAGGGCTTGACTTTTGTCTCTATCATC-3'
Protein context (NP_870998.2, residues 929-949): SKFSLPKFGL[Ser939=]GPKVAKAEAE